The following is an entry in ClinVar:

NM_000046.5(ARSB):c.317G>C (p.Arg106Pro)

Gene: ARSB (arylsulfatase B; minus strand). Cytogenetic location: 5q14.1.
Variant type: single nucleotide variant.
Coding change: c.317G>C on transcript NM_000046.5 (MANE Select); coding-DNA position 317, G replaced by C.
Protein change: p.Arg106Pro; replaces arginine 106 with proline.
Molecular consequence: missense variant.
Genome position (GRCh38, 1-based): chr5:78,969,188, C>G on the plus strand (G>C on the coding strand, the complement: ARSB is on the minus strand). VCF-style: chr5-78969188-C-G. GRCh37 (hg19) VCF-style: chr5-78265011-C-G.
Other names: c.317G>C, p.Arg106Pro (NM_198709.3); short protein forms R106P.
Identifiers: ClinVar variation 450885 (VCV000450885.2), dbSNP rs150087888, ClinGen allele CA360194527.

ClinVar aggregate classification (germline): Likely pathogenic (1 of 4 stars; one submission).

gnomAD v4.1: 1 of 1,613,976 alleles (0.000062%); highest among the groups gnomAD compares: Non-Finnish European, 0.000085%; no homozygotes.

Submission:

GeneDx
Classification: Likely pathogenic. Last evaluated: 2017-08-03. Review status: criteria provided, single submitter. Criteria: GeneDx Variant Classification (06012015). Collection method: clinical testing. Allele origin: germline. Affected: yes.
Comment: The R106P (c.317 G>C) variant has not been published as a pathogenic variant, nor has it been reported as a benign variant to our knowledge. This variant is not observed in large population cohorts (Lek et al., 2016; 1000 Genomes Consortium et al., 2015; Exome Variant Server). The R106P variant is a non-conservative amino acid substitution, which is likely to impact secondary protein structure as these residues differ in polarity, charge, size and/or other properties. This substitution occurs at a position where amino acids with similar properties to Arginine are tolerated across species. In silico analysis predicts this variant is probably damaging to the protein structure/function. A different missense variant in the same residue (R106H) has previously been reported in association with mucopolysaccharidosis VI (Karageorgos et al., 2007), supporting the functional importance of this region of the protein. Additionally, several in-silico splice prediction models predict that the c.317 G>C variant, responsible for R106P, creates a cryptic acceptor site which may supplant the natural acceptor site and lead to abnormal gene splicing. However, in the absence of RNA/functional studies, the actual effect of this sequence change in this individual is unknown. In summary, this variant is likely pathogenic; however, the possibility that it is benign cannot be excluded.